The following is an entry in ClinVar:

NC_000009.11:g.(?_214977)_(328191_?)dup

Genes: DOCK8-AS1 (DOCK8 antisense RNA 1; minus strand), DOCK8 (dedicator of cytokinesis 8; plus strand). Cytogenetic location: 9p24.3.
Variant type: Duplication.
Identifiers: ClinVar variation 2427711 (VCV002427711.7).

ClinVar aggregate classification (germline): Uncertain significance (1 of 4 stars; one submission).

Conditions:
Combined immunodeficiency due to DOCK8 deficiency (HIES2). Also called: HIES autosomal recessive; Hyper-IgE recurrent infection syndrome, autosomal recessive; DOCK8 Deficiency; HYPER-IgE RECURRENT INFECTION SYNDROME 2, AUTOSOMAL RECESSIVE; HYPER-IgE SYNDROME 2, AUTOSOMAL RECESSIVE, WITH RECURRENT INFECTIONS. Identifiers: Orphanet 217390, MedGen C4722305, MONDO:0009478, OMIM 243700.

Submission:

Labcorp Genetics (formerly Invitae), Labcorp
Classification: Uncertain significance for Combined immunodeficiency due to DOCK8 deficiency. Last evaluated: 2022-06-25. Review status: criteria provided, single submitter. Criteria: Invitae Variant Classification Sherloc (09022015). Collection method: clinical testing. Allele origin: germline.
Comment: This variant results in a copy number gain of the genomic region encompassing exon(s) 1-9 of the DOCK8 gene. This region includes the initiator codon of the gene. This copy number gain extends beyond the assayed region for this gene and therefore may encompass additional genes. As the precise location of this event is unknown, it may be in tandem or it may be located elsewhere in the genome. This variant has not been reported in the literature in individuals affected with DOCK8-related conditions. Experimental studies and prediction algorithms are not available or were not evaluated, and the functional significance of this variant is currently unknown. In summary, the available evidence is currently insufficient to determine the role of this variant in disease. Therefore, it has been classified as a Variant of Uncertain Significance.